The following is an entry in ClinVar:

NM_199161.5(SAA1):c.209C>T (p.Ala70Val)

Gene: SAA1 (serum amyloid A1; plus strand). Cytogenetic location: 11p15.1.
Variant type: single nucleotide variant.
Coding change: c.209C>T on transcript NM_199161.5 (MANE Select); coding-DNA position 209, C replaced by T.
Protein change: p.Ala70Val; replaces alanine 70 with valine.
Molecular consequence: missense variant.
Genome position (GRCh38, 1-based): chr11:18,269,312, C>T. VCF-style: chr11-18269312-C-T. GRCh37 (hg19) VCF-style: chr11-18290859-C-T.
Other names: V52A; c.209C>T, p.Ala70Val (NM_000331.6, NM_001178006.3); short protein forms A70V.
Identifiers: ClinVar variation 18108 (VCV000018108.8), dbSNP rs1136743, ClinGen allele CA127821.
Genomic context (GRCh38, chr11:18,269,312, plus strand): 5'-CAGACAAATACTTCCATGCTCGGGGGAACTATGATGCTGCCAAAAGGGGACCTGGGGGTG[C>T]CTGGGCTGCAGAAGTGATCACGTAACTGGAGCTCCTGGGACGTTAGGGCTGGGTGAGCAG-3'
Protein context (NP_954630.2, residues 60-80): YDAAKRGPGG[Ala70Val]WAAEVITDAR

ClinVar aggregate classification (germline): Benign/Likely benign. Review status: criteria provided, multiple submitters, no conflicts (2 of 4 stars). 5 submissions from 5 submitters: Benign (2); Likely benign (2). 1 of the submissions does not count toward it. Last evaluated 2023-04-17.

Conditions:
Serum amyloid a variant.
SAA1-related disorder.

Allele frequency attached by ClinVar (database versions not stated): 1000 Genomes Project 30x 0.46924; gnomAD exomes 0.47904; ExAC 0.52152; gnomAD 0.54337 and 0.54798.

Submissions (5):

Department of Pathology and Laboratory Medicine, Sinai Health System
Classification: Benign for SAA1-related disorder. Last evaluated: 2023-04-17. Review status: criteria provided, single submitter. Criteria: ACMG Guidelines, 2015. Collection method: research. Allele origin: germline.

GeneDx
Classification: Benign. Last evaluated: 2020-04-30. Review status: criteria provided, single submitter. Criteria: GeneDx Variant Classification Process June 2021. Collection method: clinical testing. Allele origin: germline. Affected: yes.
Comment: This variant is associated with the following publications: (PMID: 23437051)

CeGaT Center for Human Genetics Tuebingen
Classification: Likely benign. Last evaluated: 2018-09-30. Review status: criteria provided, single submitter. Criteria: Praxis fuer Humangenetik Tuebingen - Variant Classification Criteria. Collection method: clinical testing. Allele origin: germline. Affected: yes. Observed: 1 variant allele.

Breakthrough Genomics
Classification: Likely benign. Review status: criteria provided, single submitter. Criteria: ACMG Guidelines, 2015. Collection method: not provided. Allele origin: germline. Inheritance: Unknown mechanism. Affected: yes.

OMIM
Classification: Pathogenic for SERUM AMYLOID A VARIANT. Last evaluated: 1995-06-01. Review status: no assertion criteria provided. Collection method: literature only. Allele origin: germline. Not counted in ClinVar's aggregate classification.

Literature cited by the submitters: PubMed 7655463 (cited by OMIM).